The following is an entry in ClinVar:

ClinVar aggregate classification (germline): Pathogenic (1 of 4 stars; one submission).

Submission:

GeneDx
Classification: Pathogenic. Last evaluated: 2024-10-06. Review status: criteria provided, single submitter. Criteria: GeneDx Variant Classification Process June 2021. Collection method: clinical testing. Allele origin: germline. Affected: yes.
Comment: Identified de novo in a patient with an unspecified developmental disorder, however this patient also had de novo variants in other genes that could be contributing to their presentation (PMID: 33057194); Not observed at significant frequency in large population cohorts (gnomAD); In silico analysis indicates that this missense variant does not alter protein structure/function; This variant is associated with the following publications: (PMID: 35982159, 33057194)

NM_001127222.2(CACNA1A):c.4126G>A (p.Val1376Ile)

Genes: CACNA1A (calcium voltage-gated channel subunit alpha1 A; minus strand), LOC126862864 (MED14-independent group 3 enhancer GRCh37_chr19:13371552-13372751; plus strand). Cytogenetic location: 19p13.13.
Variant type: single nucleotide variant.
Coding change: c.4126G>A on transcript NM_001127222.2 (MANE Select); coding-DNA position 4126, G replaced by A.
Protein change: p.Val1376Ile; replaces valine 1376 with isoleucine.
Molecular consequence: missense variant.
Genome position (GRCh38, 1-based): chr19:13,261,574, C>T on the plus strand (G>A on the coding strand, the complement: CACNA1A is on the minus strand). VCF-style: chr19-13261574-C-T. GRCh37 (hg19) VCF-style: chr19-13372388-C-T.
Other names: c.4138G>A, p.Val1380Ile (NM_000068.4, NM_023035.3); c.4129G>A, p.Val1377Ile (NM_001127221.2, NM_001174080.2); short protein forms V1376I, V1377I, V1380I.
Identifiers: ClinVar variation 3777333 (VCV003777333.1).